The following is an entry in ClinVar:

ClinVar aggregate classification (germline): Likely pathogenic. Review status: criteria provided, multiple submitters, no conflicts (2 of 4 stars). 2 submissions from 2 submitters: Likely pathogenic (2). Last evaluated 2025-08-29.

Conditions:
Hypophosphatasia. Also called: Phosphoethanol-aminuria. Identifiers: Orphanet 436, MedGen C0020630, MeSH D007014, MONDO:0018570.

Submissions (2):

Genomenon, Inc
Classification: Likely pathogenic for Hypophosphatasia. Last evaluated: 2025-08-29. Review status: criteria provided, single submitter. Criteria: Genomenon Sequence Variant Interpretation Standards. Collection method: curation. Allele origin: germline. Affected: yes.
Comment: ALPL c.889T>A is a missense variant that changes the amino acid at residue 297 from Tyrosine to Asparagine. This variant has been observed in at least one proband affected with hypophosphatasia (PMID:36361766). It is absent or not present at a significant frequency in gnomAD. In silico models agree that this variant is possibly or probably damaging. In conclusion, we classify ALPL p.Tyr297Asn (c.889T>A) as a likely pathogenic variant.

JKU Lab, Dept of Paediatrics, Johannes Kepler University
Classification: Likely pathogenic for Hypophosphatasia. Last evaluated: 2025-06-26. Review status: criteria provided, single submitter. Criteria: ACMG Guidelines, 2015. Collection method: curation, in vitro. Allele origin: germline, not applicable. Affected: yes. Functional consequence: decreased enzyme activity.
Comment: This missense variant is not present in GnomAD 4.1 and affects a highly conserved amino acid in the calcium site domain. The variant is predicted to affect protein function (REVEL score: 0.959). Splice-prediction algorithms predict no effect on splicing. In vitro functional studies showed reduced ALP activity without a dominant negative effect. This variant has been reported in the literature in individuals affected by ALPL-related conditions (PMID:36361766). The results of the functional testing and the applied ACMG criteria can be viewed at an online resource

Literature cited by the submitters: PubMed 36361766 (cited by Genomenon, Inc and JKU Lab, Dept of Paediatrics, Johannes Kepler University).

NM_000478.6(ALPL):c.889T>A (p.Tyr297Asn)

Gene: ALPL (alkaline phosphatase, biomineralization associated; plus strand). Cytogenetic location: 1p36.12.
Variant type: single nucleotide variant.
Coding change: c.889T>A on transcript NM_000478.6 (MANE Select); coding-DNA position 889, T replaced by A.
Protein change: p.Tyr297Asn; replaces tyrosine 297 with asparagine.
Molecular consequence: missense variant.
Genome position (GRCh38, 1-based): chr1:21,573,691, T>A. VCF-style: chr1-21573691-T-A. GRCh37 (hg19) VCF-style: chr1-21900184-T-A.
Other names: c.724T>A, p.Tyr242Asn (NM_001127501.4); c.658T>A, p.Tyr220Asn (NM_001177520.3); c.889T>A, p.Tyr297Asn (NM_001369803.2, NM_001369804.2, NM_001369805.2); short protein forms Y220N, Y242N, Y297N.
Identifiers: ClinVar variation 1679902 (VCV001679902.4), dbSNP rs2148184355, ClinGen allele CA338880218.